The following is an entry in ClinVar:

ClinVar aggregate classification (germline): Uncertain significance (1 of 4 stars; one submission).

Submission:

Labcorp Genetics (formerly Invitae), Labcorp
Classification: Uncertain significance. Last evaluated: 2025-06-14. Review status: criteria provided, single submitter. Criteria: Invitae Variant Classification Sherloc (09022015). Collection method: clinical testing. Allele origin: germline.
Comment: This sequence change replaces arginine, which is basic and polar, with tryptophan, which is neutral and slightly polar, at codon 326 of the ABL1 protein (p.Arg326Trp). This variant is present in population databases (rs773215910, gnomAD 0.0009%). This variant has not been reported in the literature in individuals affected with ABL1-related conditions. Invitae Evidence Modeling of protein sequence and biophysical properties (such as structural, functional, and spatial information, amino acid conservation, physicochemical variation, residue mobility, and thermodynamic stability) indicates that this missense variant is expected to disrupt ABL1 protein function with a positive predictive value of 80%. In summary, the available evidence is currently insufficient to determine the role of this variant in disease. Therefore, it has been classified as a Variant of Uncertain Significance.

NM_005157.6(ABL1):c.919C>T (p.Arg307Trp)

Gene: ABL1 (ABL proto-oncogene 1, non-receptor tyrosine kinase; plus strand). Cytogenetic location: 9q34.12.
Variant type: single nucleotide variant.
Coding change: c.919C>T on transcript NM_005157.6 (MANE Select); coding-DNA position 919, C replaced by T.
Protein change: p.Arg307Trp; replaces arginine 307 with tryptophan.
Molecular consequence: missense variant.
Genome position (GRCh38, 1-based): chr9:130,872,871, C>T. VCF-style: chr9-130872871-C-T. GRCh37 (hg19) VCF-style: chr9-133748258-C-T.
Other names: c.976C>T, p.Arg326Trp (NM_007313.3); short protein forms R326W, R307W.
Identifiers: ClinVar variation 4703119 (VCV004703119.1).